The following is an entry in ClinVar:

ClinVar aggregate classification (germline): Uncertain significance (1 of 4 stars; one submission).

Submission:

Labcorp Genetics (formerly Invitae), Labcorp
Classification: Uncertain significance. Last evaluated: 2024-12-24. Review status: criteria provided, single submitter. Criteria: Invitae Variant Classification Sherloc (09022015). Collection method: clinical testing. Allele origin: germline.
Comment: This sequence change affects codon 53 of the NOG mRNA. It is a 'silent' change, meaning that it does not change the encoded amino acid sequence of the NOG protein. This variant is not present in population databases (gnomAD no frequency). This variant has not been reported in the literature in individuals affected with NOG-related conditions. In summary, the available evidence is currently insufficient to determine the role of this variant in disease. Therefore, it has been classified as a Variant of Uncertain Significance.

NM_005450.6(NOG):c.159C>T (p.Ile53=)

Gene: NOG (noggin; plus strand). Cytogenetic location: 17q22.
Variant type: single nucleotide variant.
Coding change: c.159C>T on transcript NM_005450.6 (MANE Select); coding-DNA position 159, C replaced by T.
Protein change: p.Ile53=; no amino-acid change (isoleucine 53 retained).
Molecular consequence: synonymous variant.
Genome position (GRCh38, 1-based): chr17:56,594,382, C>T. VCF-style: chr17-56594382-C-T. GRCh37 (hg19) VCF-style: chr17-54671743-C-T.
Identifiers: ClinVar variation 3670735 (VCV003670735.2).